The following is an entry in ClinVar:

ClinVar aggregate classification (germline): Uncertain significance. Review status: criteria provided, multiple submitters, no conflicts (2 of 4 stars). 3 submissions from 3 submitters: Uncertain significance (3). Last evaluated 2025-04-09.

Conditions:
Hypogonadotropic hypogonadism 5 with or without anosmia (KAL5). Also called: HYPOGONADOTROPIC HYPOGONADISM 5 WITH ANOSMIA; CHD7-Related GnRH Deficiency (Kallmann Syndrome 5); HYPOGONADOTROPHIC HYPOGONADISM 5 WITHOUT ANOSMIA. Identifiers: Orphanet 478, MedGen C3552553, MONDO:0012880, OMIM 612370. Disease mechanism: loss of function.
CHARGE syndrome (CHARGE). Also called: Hittner Hirsch Kreh syndrome; CHARGE ASSOCIATION--COLOBOMA, HEART ANOMALY, CHOANAL ATRESIA, RETARDATION, GENITAL AND EAR ANOMALIES; Coloboma, heart anomaly, choanal atresia, retardation, genital and ear anomalies; CHARGE association; Hall-Hittner syndrome. Identifiers: Orphanet 138, MedGen C0265354, MONDO:0008965.

Allele frequency attached by ClinVar (database versions not stated): TOPMed below 0.00001; gnomAD 0.00001; gnomAD exomes 0.00001.
gnomAD v4.1: 23 of 1,613,554 alleles (0.0014%); highest among the groups gnomAD compares: Non-Finnish European, 0.0019%; no homozygotes.

Submissions (3):

Labcorp Genetics (formerly Invitae), Labcorp
Classification: Uncertain significance for CHARGE syndrome. Last evaluated: 2025-04-09. Review status: criteria provided, single submitter. Criteria: Invitae Variant Classification Sherloc (09022015). Collection method: clinical testing. Allele origin: germline.
Comment: This sequence change replaces arginine, which is basic and polar, with glycine, which is neutral and non-polar, at codon 1955 of the CHD7 protein (p.Arg1955Gly). This variant is not present in population databases (gnomAD no frequency). This variant has not been reported in the literature in individuals affected with CHD7-related conditions. ClinVar contains an entry for this variant (Variation ID: 1313108). Invitae Evidence Modeling of protein sequence and biophysical properties (such as structural, functional, and spatial information, amino acid conservation, physicochemical variation, residue mobility, and thermodynamic stability) has been performed for this missense variant. However, the output from this modeling did not meet the statistical confidence thresholds required to predict the impact of this variant on CHD7 protein function. In summary, the available evidence is currently insufficient to determine the role of this variant in disease. Therefore, it has been classified as a Variant of Uncertain Significance.

Fulgent Genetics
Classification: Uncertain significance for CHD7-related CHARGE syndrome; Hypogonadotropic hypogonadism 5 with or without anosmia. Last evaluated: 2022-03-11. Review status: criteria provided, single submitter. Criteria: ACMG Guidelines, 2015. Collection method: clinical testing. Allele origin: unknown.

GeneDx
Classification: Uncertain significance. Last evaluated: 2020-07-24. Review status: criteria provided, single submitter. Criteria: GeneDx Variant Classification Process June 2021. Collection method: clinical testing. Allele origin: germline. Affected: yes.
Comment: Not observed in large population cohorts (Lek et al., 2016); In silico analysis supports that this missense variant has a deleterious effect on protein structure/function; Has not been previously published as pathogenic or benign to our knowledge

NM_017780.4(CHD7):c.5863A>G (p.Arg1955Gly)

Gene: CHD7 (chromodomain helicase DNA binding protein 7; plus strand). Cytogenetic location: 8q12.2.
Variant type: single nucleotide variant.
Coding change: c.5863A>G on transcript NM_017780.4 (MANE Select); coding-DNA position 5863, A replaced by G.
Protein change: p.Arg1955Gly; replaces arginine 1955 with glycine.
Molecular consequence: missense variant. On other transcripts: intron variant (1).
Genome position (GRCh38, 1-based): chr8:60,852,216, A>G. VCF-style: chr8-60852216-A-G. GRCh37 (hg19) VCF-style: chr8-61764775-A-G.
Other names: c.1717-10013A>G (NM_001316690.1); short protein forms R1955G.
Identifiers: ClinVar variation 1313108 (VCV001313108.4), dbSNP rs1805484724, ClinGen allele CA371323308.